The following is an entry in ClinVar:

NM_000051.4(ATM):c.4976T>C (p.Ile1659Thr)

Gene: ATM (ATM serine/threonine kinase; plus strand). Cytogenetic location: 11q22.3.
Variant type: single nucleotide variant.
Coding change: c.4976T>C on transcript NM_000051.4 (MANE Select); coding-DNA position 4976, T replaced by C.
Protein change: p.Ile1659Thr; replaces isoleucine 1659 with threonine.
Molecular consequence: missense variant.
Genome position (GRCh38, 1-based): chr11:108,297,353, T>C. VCF-style: chr11-108297353-T-C. GRCh37 (hg19) VCF-style: chr11-108168080-T-C.
Other names: c.4976T>C, p.Ile1659Thr (NM_001351834.2); short protein forms I1659T.
Identifiers: ClinVar variation 489551 (VCV000489551.13), dbSNP rs1555103271, ClinGen allele CA382538439.

ClinVar aggregate classification (germline): Uncertain significance. Review status: criteria provided, multiple submitters, no conflicts (2 of 4 stars). 3 submissions from 3 submitters: Uncertain significance (3). Last evaluated 2025-04-10.

Conditions:
Hereditary cancer-predisposing syndrome. Also called: Tumor predisposition; Neoplastic Syndromes, Hereditary; Hereditary Cancer Syndrome; Hereditary neoplastic syndrome. Identifiers: Orphanet 140162, MedGen C0027672, MeSH D009386, MONDO:0015356.
Ataxia-telangiectasia syndrome (AT). Also called: Ataxia-telangiectasia; Ataxia-telangiectasia, complementation group D; AT, COMPLEMENTATION GROUP C; LOUIS-BAR SYNDROME; Cerebello-oculocutaneous telangiectasia; Immunodeficiency with ataxia telangiectasia. Identifiers: Orphanet 100, MedGen C0004135, MONDO:0008840, OMIM 208900.

Allele frequency attached by ClinVar (database versions not stated): gnomAD exomes below 0.00001.
gnomAD v4.1: 1 of 1,614,054 alleles (0.000062%); highest among the groups gnomAD compares: Non-Finnish European, 0.000085%; no homozygotes.

Submissions (3):

Ambry Genetics
Classification: Uncertain significance for Hereditary cancer-predisposing syndrome. Last evaluated: 2025-04-10. Review status: criteria provided, single submitter. Criteria: Ambry Variant Classification Scheme 2023. Collection method: clinical testing. Allele origin: germline.
Comment: The p.I1659T variant (also known as c.4976T>C), located in coding exon 32 of the ATM gene, results from a T to C substitution at nucleotide position 4976. The isoleucine at codon 1659 is replaced by threonine, an amino acid with similar properties. This amino acid position is conserved. In addition, this alteration is predicted to be tolerated by in silico analysis. Since supporting evidence is limited at this time, the clinical significance of this alteration remains unclear.

Labcorp Genetics (formerly Invitae), Labcorp
Classification: Uncertain significance for Ataxia-telangiectasia syndrome. Last evaluated: 2024-03-06. Review status: criteria provided, single submitter. Criteria: Invitae Variant Classification Sherloc (09022015). Collection method: clinical testing. Allele origin: germline.
Comment: This sequence change replaces isoleucine, which is neutral and non-polar, with threonine, which is neutral and polar, at codon 1659 of the ATM protein (p.Ile1659Thr). This variant is not present in population databases (gnomAD no frequency). This variant has not been reported in the literature in individuals affected with ATM-related conditions. ClinVar contains an entry for this variant (Variation ID: 489551). An algorithm developed to predict the effect of missense changes on protein structure and function (PolyPhen-2) suggests that this variant is likely to be tolerated. In summary, the available evidence is currently insufficient to determine the role of this variant in disease. Therefore, it has been classified as a Variant of Uncertain Significance.

Color Diagnostics, LLC DBA Color Health
Classification: Uncertain significance for Hereditary cancer-predisposing syndrome. Last evaluated: 2023-12-05. Review status: criteria provided, single submitter. Criteria: ACMG Guidelines, 2015. Collection method: clinical testing. Allele origin: germline.
Comment: This missense variant replaces isoleucine with threonine at codon 1659 of the ATM protein. Computational prediction suggests that this variant may not impact protein structure and function (internally defined REVEL score threshold <= 0.5, PMID: 27666373). To our knowledge, functional studies have not been reported for this variant. This variant has not been reported in individuals affected with ATM-related disorders in the literature. This variant has not been identified in the general population by the Genome Aggregation Database (gnomAD). The available evidence is insufficient to determine the role of this variant in disease conclusively. Therefore, this variant is classified as a Variant of Uncertain Significance.